The following is an entry in ClinVar:

ClinVar aggregate classification (germline): Uncertain significance (1 of 4 stars; one submission).

Conditions:
Primary ciliary dyskinesia. Also called: Ciliary dyskinesia. Identifiers: Orphanet 244, MedGen C0008780, MONDO:0016575, HP:0012265.

Submission:

Labcorp Genetics (formerly Invitae), Labcorp
Classification: Uncertain significance for Primary ciliary dyskinesia. Last evaluated: 2022-06-13. Review status: criteria provided, single submitter. Criteria: Invitae Variant Classification Sherloc (09022015). Collection method: clinical testing. Allele origin: germline.
Comment: In summary, the available evidence is currently insufficient to determine the role of this variant in disease. Therefore, it has been classified as a Variant of Uncertain Significance. Algorithms developed to predict the effect of missense changes on protein structure and function are either unavailable or do not agree on the potential impact of this missense change (SIFT: "Deleterious"; PolyPhen-2: "Probably Damaging"; Align-GVGD: "Class C0"). This variant has not been reported in the literature in individuals affected with RSPH4A-related conditions. This variant is not present in population databases (gnomAD no frequency). This sequence change replaces histidine, which is basic and polar, with proline, which is neutral and non-polar, at codon 496 of the RSPH4A protein (p.His496Pro).

NM_001010892.3(RSPH4A):c.1487A>C (p.His496Pro)

Gene: RSPH4A (radial spoke head component 4A; plus strand). Cytogenetic location: 6q22.1.
Variant type: single nucleotide variant.
Coding change: c.1487A>C on transcript NM_001010892.3 (MANE Select); coding-DNA position 1487, A replaced by C.
Protein change: p.His496Pro; replaces histidine 496 with proline.
Molecular consequence: missense variant.
Genome position (GRCh38, 1-based): chr6:116,628,194, A>C. VCF-style: chr6-116628194-A-C. GRCh37 (hg19) VCF-style: chr6-116949357-A-C.
Other names: c.1487A>C, p.His496Pro (NM_001161664.2); short protein forms H496P.
Identifiers: ClinVar variation 2005799 (VCV002005799.4), dbSNP rs2482804164, ClinGen allele CA365406480.